The following is an entry in ClinVar:

ClinVar aggregate classification (germline): Uncertain significance (1 of 4 stars; one submission).

Submission:

GeneDx
Classification: Uncertain significance. Last evaluated: 2023-10-28. Review status: criteria provided, single submitter. Criteria: GeneDx Variant Classification Process June 2021. Collection method: clinical testing. Allele origin: germline. Affected: yes.
Comment: Not observed at significant frequency in large population cohorts (gnomAD); In silico analysis supports that this missense variant has a deleterious effect on protein structure/function; Has not been previously published as pathogenic or benign to our knowledge

NM_182641.4(BPTF):c.2717G>A (p.Gly906Asp)

Gene: BPTF (bromodomain PHD finger transcription factor; plus strand). Cytogenetic location: 17q24.2.
Variant type: single nucleotide variant.
Coding change: c.2717G>A on transcript NM_182641.4 (MANE Select); coding-DNA position 2717, G replaced by A.
Protein change: p.Gly906Asp; replaces glycine 906 with aspartic acid.
Molecular consequence: missense variant.
Genome position (GRCh38, 1-based): chr17:67,904,745, G>A. VCF-style: chr17-67904745-G-A. GRCh37 (hg19) VCF-style: chr17-65900861-G-A.
Other names: c.3095G>A, p.Gly1032Asp (NM_004459.7); short protein forms G1032D, G906D.
Identifiers: ClinVar variation 3363242 (VCV003363242.1).
Genomic context (GRCh38, chr17:67,904,745, plus strand): 5'-GTTTTCATTTACACCAGGTTTGGAAACAAAAAGGTGAAGAGTACAGAGTGACAGGATATG[G>A]TGGTTGGAGCTGGATTAGTAAAACTCATGTTTATAGGTTTGTTCCTAAATTGCCAGGCAA-3'
Protein context (NP_872579.2, residues 896-916): KGEEYRVTGY[Gly906Asp]GWSWISKTHV